The following is an entry in ClinVar:

ClinVar aggregate classification (germline): Uncertain significance (1 of 4 stars; one submission).

Submission:

GeneDx
Classification: Uncertain significance. Last evaluated: 2018-05-09. Review status: criteria provided, single submitter. Criteria: GeneDx Variant Classification (06012015). Collection method: clinical testing. Allele origin: germline. Affected: yes.
Comment: The Q260X variant in the ATPAF2 gene has not been reported previously as a pathogenic variant nor as a benign variant, to our knowledge. This variant is predicted to cause loss of normal protein function through protein truncation. The Q260X variant is not observed in large population cohorts (Lek et al., 2016). We interpret Q260X as a variant of uncertain significance.

NM_145691.4(ATPAF2):c.778C>T (p.Gln260Ter)

Gene: ATPAF2 (ATP synthase mitochondrial F1 complex assembly factor 2; minus strand). Cytogenetic location: 17p11.2.
Variant type: single nucleotide variant.
Coding change: c.778C>T on transcript NM_145691.4 (MANE Select); coding-DNA position 778, C replaced by T.
Protein change: p.Gln260Ter; replaces glutamine 260 with a stop codon.
Molecular consequence: nonsense.
Genome position (GRCh38, 1-based): chr17:18,018,641, G>A on the plus strand (C>T on the coding strand, the complement: ATPAF2 is on the minus strand). VCF-style: chr17-18018641-G-A. GRCh37 (hg19) VCF-style: chr17-17921955-G-A.
Other names: short protein forms Q260*.
Identifiers: ClinVar variation 523905 (VCV000523905.2), dbSNP rs1555634015, ClinGen allele CA398572188.